The following is an entry in ClinVar:

NM_012282.4(KCNE5):c.322G>A (p.Ala108Thr)

Gene: KCNE5 (potassium voltage-gated channel subfamily E regulatory subunit 5; minus strand). Cytogenetic location: Xq23.
Variant type: single nucleotide variant.
Coding change: c.322G>A on transcript NM_012282.4 (MANE Select); coding-DNA position 322, G replaced by A.
Protein change: p.Ala108Thr; replaces alanine 108 with threonine.
Molecular consequence: missense variant.
Genome position (GRCh38, 1-based): chrX:109,624,699, C>T on the plus strand (G>A on the coding strand, the complement: KCNE5 is on the minus strand). VCF-style: chrX-109624699-C-T. GRCh37 (hg19) VCF-style: chrX-108867928-C-T.
Other names: c.322G>A (NM_012282.2); short protein forms A108T.
Identifiers: ClinVar variation 2891432 (VCV002891432.4), dbSNP rs1934262412, ClinGen allele CA414213139.

ClinVar aggregate classification (germline): Uncertain significance. Review status: criteria provided, multiple submitters, no conflicts (2 of 4 stars). 2 submissions from 2 submitters: Uncertain significance (2). Last evaluated 2026-08-24.

Conditions:
Brugada syndrome. Also called: Sudden unexpected nocturnal death syndrome; Sudden Unexplained Death Syndrome; Sudden Unexplained Nocturnal Death Syndrome (SUNDS); Sudden unexplained nocturnal death syndrome. Identifiers: Orphanet 130, MedGen C1142166, MONDO:0015263.

gnomAD v4.1: 4 of 1,193,178 alleles (0.00034%); highest among the groups gnomAD compares: Admixed American, 0.0046%; no homozygotes.

Submissions (2):

Ambry Genetics
Classification: Uncertain significance. Last evaluated: 2026-08-24. Review status: criteria provided, single submitter. Criteria: Ambry Variant Classification Scheme 2023. Collection method: clinical testing. Allele origin: germline.
Comment: The p.A108T variant (also known as c.322G>A), located in coding exon 1 of the KCNE5 gene, results from a G to A substitution at nucleotide position 322. The alanine at codon 108 is replaced by threonine, an amino acid with similar properties. This amino acid position is conserved. In addition, this alteration is predicted to be tolerated by in silico analysis. Based on the available evidence, the clinical significance of this variant remains unclear.

Labcorp Genetics (formerly Invitae), Labcorp
Classification: Uncertain significance for Brugada syndrome. Last evaluated: 2025-05-01. Review status: criteria provided, single submitter. Criteria: Invitae Variant Classification Sherloc (09022015). Collection method: clinical testing. Allele origin: germline.
Comment: This sequence change replaces alanine, which is neutral and non-polar, with threonine, which is neutral and polar, at codon 108 of the KCNE5 protein (p.Ala108Thr). This variant is not present in population databases (gnomAD no frequency). This variant has not been reported in the literature in individuals affected with KCNE5-related conditions. ClinVar contains an entry for this variant (Variation ID: 2891432). An algorithm developed to predict the effect of missense changes on protein structure and function outputs the following: PolyPhen-2: "Benign". The threonine amino acid residue is found in multiple mammalian species, which suggests that this missense change does not adversely affect protein function. In summary, the available evidence is currently insufficient to determine the role of this variant in disease. Therefore, it has been classified as a Variant of Uncertain Significance.